The following is an entry in ClinVar:

NM_022489.4(INF2):c.2366C>A (p.Thr789Lys)

Gene: INF2 (inverted formin 2; plus strand). Cytogenetic location: 14q32.33.
Variant type: single nucleotide variant.
Coding change: c.2366C>A on transcript NM_022489.4 (MANE Select); coding-DNA position 2366, C replaced by A.
Protein change: p.Thr789Lys; replaces threonine 789 with lysine.
Molecular consequence: missense variant. On other transcripts: non-coding transcript variant (1).
Genome position (GRCh38, 1-based): chr14:104,711,134, C>A. VCF-style: chr14-104711134-C-A. GRCh37 (hg19) VCF-style: chr14-105177471-C-A.
Other names: c.2366C>A, p.Thr789Lys (NM_001031714.4, NM_001426862.1, NM_001426863.1 and 2 more transcripts); short protein forms T789K.
Identifiers: ClinVar variation 3761367 (VCV003761367.2).

ClinVar aggregate classification (germline): Uncertain significance (1 of 4 stars; one submission).

Conditions:
Focal segmental glomerulosclerosis 5 (FSGS5). Identifiers: Orphanet 656, MedGen C2750475, MONDO:0013191, OMIM 613237.
Charcot-Marie-Tooth disease dominant intermediate E. Also called: CHARCOT-MARIE-TOOTH NEUROPATHY WITH FOCAL SEGMENTAL GLOMERULONEPHRITIS. Identifiers: Orphanet 93114, MedGen C4302667, MONDO:0013758, OMIM 614455.

gnomAD v4.1: 1 of 1,579,092 alleles (0.000063%); highest among the groups gnomAD compares: Non-Finnish European, 0.000086%; no homozygotes.

Submission:

Labcorp Genetics (formerly Invitae), Labcorp
Classification: Uncertain significance for Charcot-Marie-Tooth disease dominant intermediate E; Focal segmental glomerulosclerosis 5. Last evaluated: 2025-01-30. Review status: criteria provided, single submitter. Criteria: Invitae Variant Classification Sherloc (09022015). Collection method: clinical testing. Allele origin: germline.
Comment: This sequence change replaces threonine, which is neutral and polar, with lysine, which is basic and polar, at codon 789 of the INF2 protein (p.Thr789Lys). This variant is not present in population databases (gnomAD no frequency). This variant has not been reported in the literature in individuals affected with INF2-related conditions. Invitae Evidence Modeling of protein sequence and biophysical properties (such as structural, functional, and spatial information, amino acid conservation, physicochemical variation, residue mobility, and thermodynamic stability) indicates that this missense variant is not expected to disrupt INF2 protein function with a negative predictive value of 95%. In summary, the available evidence is currently insufficient to determine the role of this variant in disease. Therefore, it has been classified as a Variant of Uncertain Significance.